The following is an entry in ClinVar:

NM_000368.5(TSC1):c.151G>C (p.Glu51Gln)

Gene: TSC1 (TSC complex subunit 1; minus strand). Cytogenetic location: 9q34.13.
Variant type: single nucleotide variant.
Coding change: c.151G>C on transcript NM_000368.5 (MANE Select); coding-DNA position 151, G replaced by C.
Protein change: p.Glu51Gln; replaces glutamic acid 51 with glutamine.
Molecular consequence: missense variant. On other transcripts: intron variant (1).
Genome position (GRCh38, 1-based): chr9:132,927,260, C>G on the plus strand (G>C on the coding strand, the complement: TSC1 is on the minus strand). VCF-style: chr9-132927260-C-G. GRCh37 (hg19) VCF-style: chr9-135802647-C-G.
Other names: c.151G>C, p.Glu51Gln (NM_001162426.2, NM_001162427.2, NM_001406592.1 and 21 more transcripts); c.-154+1507G>C (NM_001362177.2); c.-338G>C (NM_001406615.1, NM_001406623.1); c.-305G>C (NM_001406616.1, NM_001406624.1); c.-727G>C (NM_001406626.1, NM_001406627.1, NM_001406628.1); c.-869G>C (NM_001406629.1); c.-943G>C (NM_001406630.1); short protein forms E51Q.
Identifiers: ClinVar variation 2004653 (VCV002004653.5), dbSNP rs1564503320, ClinGen allele CA375375147.

ClinVar aggregate classification (germline): Conflicting classifications of pathogenicity. Review status: criteria provided, conflicting classifications (1 of 4 stars). 2 submissions from 2 submitters: Uncertain significance (1); Likely benign (1). Last evaluated 2025-03-10.

Conditions:
Hereditary cancer-predisposing syndrome. Also called: Hereditary Cancer Syndrome; Tumor predisposition; Hereditary neoplastic syndrome; Neoplastic Syndromes, Hereditary. Identifiers: Orphanet 140162, MedGen C0027672, MeSH D009386, MONDO:0015356.
Tuberous sclerosis 1 (TSC1). Identifiers: Orphanet 805, MedGen C1854465, MONDO:0008612, OMIM 191100.

Allele frequency attached by ClinVar (database versions not stated): gnomAD exomes below 0.00001.
gnomAD v4.1: 1 of 1,614,000 alleles (0.000062%); highest among the groups gnomAD compares: Non-Finnish European, 0.000085%; no homozygotes.

Submissions (2):

Ambry Genetics
Classification: Uncertain significance for Hereditary cancer-predisposing syndrome. Last evaluated: 2025-03-10. Review status: criteria provided, single submitter. Criteria: Ambry Variant Classification Scheme 2023. Collection method: clinical testing. Allele origin: germline.
Comment: The p.E51Q variant (also known as c.151G>C), located in coding exon 2 of the TSC1 gene, results from a G to C substitution at nucleotide position 151. The glutamic acid at codon 51 is replaced by glutamine, an amino acid with highly similar properties. This amino acid position is conserved. In addition, the in silico prediction for this alteration is inconclusive. Based on the available evidence, the clinical significance of this variant remains unclear.

Labcorp Genetics (formerly Invitae), Labcorp
Classification: Likely benign for Tuberous sclerosis 1. Last evaluated: 2023-12-06. Review status: criteria provided, single submitter. Criteria: Invitae Variant Classification Sherloc (09022015). Collection method: clinical testing. Allele origin: germline.